The following is an entry in ClinVar:

ClinVar aggregate classification (germline): Pathogenic (1 of 4 stars; one submission).

Submission:

Labcorp Genetics (formerly Invitae), Labcorp
Classification: Pathogenic. Last evaluated: 2021-09-09. Review status: criteria provided, single submitter. Criteria: Invitae Variant Classification Sherloc (09022015). Collection method: clinical testing. Allele origin: germline.
Comment: This sequence change creates a premature translational stop signal (p.Gln678*) in the COL4A2 gene. It is expected to result in an absent or disrupted protein product. Loss-of-function variants in COL4A2 are known to be pathogenic (PMID: 22333902, 30315939). This variant is not present in population databases (ExAC no frequency). This variant has not been reported in the literature in individuals affected with COL4A2-related conditions. For these reasons, this variant has been classified as Pathogenic.

Literature cited by the submitters: PubMed 22333902; PubMed 30315939.

NM_001846.4(COL4A2):c.2032C>T (p.Gln678Ter)

Gene: COL4A2 (collagen type IV alpha 2 chain; plus strand). Cytogenetic location: 13q34.
Variant type: single nucleotide variant.
Coding change: c.2032C>T on transcript NM_001846.4 (MANE Select); coding-DNA position 2032, C replaced by T.
Protein change: p.Gln678Ter; replaces glutamine 678 with a stop codon.
Molecular consequence: nonsense.
Genome position (GRCh38, 1-based): chr13:110,466,056, C>T. VCF-style: chr13-110466056-C-T. GRCh37 (hg19) VCF-style: chr13-111118403-C-T.
Other names: short protein forms Q678*.
Identifiers: ClinVar variation 1389768 (VCV001389768.1), dbSNP rs2139504287, ClinGen allele CA388740148.